The following is an entry in ClinVar:

NC_000012.12:g.31087936AG[1]

Gene: DDX11 (DEAD/H-box helicase 11; plus strand). Cytogenetic location: 12p11.21.
Variant type: Microsatellite.
Genome position: GRCh38 VCF-style: chr12-31087935-CAG-C. GRCh37 (hg19) VCF-style: chr12-31240869-CAG-C.
Identifiers: ClinVar variation 4798384 (VCV004798384.1).
Genomic context (GRCh38, chr12:31,087,935, plus strand): 5'-CTCAGTGCGTTTTGCTGAGTTTGCTGAGGGAAGACTGTTTTCTGTTCTCTCTCACACACA[CAG>C]AGTGGATGAGGATGAGGATGACCTGGAGGAAGAACACATAACTAAGGTAACACAAGTGTC-3'

ClinVar aggregate classification (germline): Pathogenic (1 of 4 stars; one submission).

Submission:

Labcorp Genetics (formerly Invitae), Labcorp
Classification: Pathogenic. Last evaluated: 2026-01-18. Review status: criteria provided, single submitter. Criteria: Invitae Variant Classification Sherloc (09022015). Collection method: clinical testing. Allele origin: germline.
Comment: This sequence change creates a premature translational stop signal (p.Arg213Serfs*3) in the DDX11 gene. It is expected to result in an absent or disrupted protein product. Loss-of-function variants in DDX11 are known to be pathogenic (PMID: 20137776, 25701697). This variant is not present in population databases (gnomAD no frequency). This variant has not been reported in the literature in individuals affected with DDX11-related conditions. Algorithms developed to predict the effect of sequence changes on RNA splicing suggest that this variant may disrupt the consensus splice site. For these reasons, this variant has been classified as Pathogenic.

Literature cited by the submitters: PubMed 20137776; PubMed 25701697.